The following is an entry in ClinVar:

ClinVar aggregate classification (germline): Pathogenic (1 of 4 stars; one submission).

Submission:

Labcorp Genetics (formerly Invitae), Labcorp
Classification: Pathogenic. Last evaluated: 2026-01-28. Review status: criteria provided, single submitter. Criteria: Invitae Variant Classification Sherloc (09022015). Collection method: clinical testing. Allele origin: germline.
Comment: This sequence change creates a premature translational stop signal (p.Ala2100Glyfs*19) in the NBAS gene. It is expected to result in an absent or disrupted protein product. Loss-of-function variants in NBAS are known to be pathogenic (PMID: 26073778, 26541327, 27789416, 28031453). This variant is not present in population databases (gnomAD no frequency). This variant has not been reported in the literature in individuals affected with NBAS-related conditions. For these reasons, this variant has been classified as Pathogenic.

Literature cited by the submitters: PubMed 26073778; PubMed 26541327; PubMed 27789416; PubMed 28031453.

NM_015909.4(NBAS):c.6299_6306del (p.Ala2100fs)

Gene: NBAS (NBAS subunit of NRZ tethering complex; minus strand). Cytogenetic location: 2p24.3.
Variant type: Deletion.
Coding change: c.6299_6306del on transcript NM_015909.4 (MANE Select); coding-DNA positions 6299 to 6306, 8 bases deleted (CCTGGCCG; older notation c.6299_6306delCCTGGCCG).
Protein change: p.Ala2100fs; shifts the reading frame from alanine 2100.
Molecular consequence: frameshift variant.
Genome position (GRCh38, 1-based): chr2:15,218,899-15,218,906, CGGCCAGG deleted on the plus strand (CCTGGCCG on the coding strand, the reverse complement: NBAS is on the minus strand); deleting any 8 consecutive bases within chr2:15,218,899-15,218,908 gives the same sequence; the c. name uses the placement nearest the transcript's 3' end. VCF-style (leftmost placement, unchanged base first): chr2-15218898-CCGGCCAGG-C. GRCh37 (hg19) VCF-style: chr2-15359022-CCGGCCAGG-C.
Other names: short protein forms A2100fs.
Identifiers: ClinVar variation 4733438 (VCV004733438.1).